The following is an entry in ClinVar:

ClinVar aggregate classification (germline): Uncertain significance (1 of 4 stars; one submission).

Submission:

Labcorp Genetics (formerly Invitae), Labcorp
Classification: Uncertain significance. Last evaluated: 2022-09-30. Review status: criteria provided, single submitter. Criteria: Invitae Variant Classification Sherloc (09022015). Collection method: clinical testing. Allele origin: germline.
Comment: This variant, c.2030_2032dup, results in the insertion of 1 amino acid(s) of the COL4A5 protein (p.Val677dup), but otherwise preserves the integrity of the reading frame. This variant is not present in population databases (gnomAD no frequency). This variant has not been reported in the literature in individuals affected with COL4A5-related conditions. In summary, the available evidence is currently insufficient to determine the role of this variant in disease. Therefore, it has been classified as a Variant of Uncertain Significance.

NM_033380.3(COL4A5):c.2030_2032dup (p.Val677_Gly678insVal)

Gene: COL4A5 (collagen type IV alpha 5 chain; plus strand). Cytogenetic location: Xq22.3.
Variant type: Duplication.
Coding change: c.2030_2032dup on transcript NM_033380.3 (MANE Select); coding-DNA positions 2030 to 2032, 3 bases duplicated (TAG; older notation c.2030_2032dupTAG).
Protein change: p.Val677_Gly678insVal.
Molecular consequence: inframe insertion.
Genome position (GRCh38, 1-based): chrX:108,601,474-108,601,476, TAG duplicated; duplicating any 3 consecutive bases within chrX:108,601,473-108,601,476 gives the same sequence; the c. name uses the placement nearest the transcript's 3' end. VCF-style (leftmost placement, unchanged base first): chrX-108601472-T-TGTA. GRCh37 (hg19) VCF-style: chrX-107844702-T-TGTA.
Other names: c.2030_2032dup, p.Val677_Gly678insVal (NM_000495.5).
Identifiers: ClinVar variation 2025885 (VCV002025885.1), dbSNP rs2524325978, ClinGen allele CA2580100312.
Genomic context (GRCh38, chrX:108,601,472, plus strand): 5'-TCAGACTATAACCCAGCCGGGGAAGCCTGGCTTGCCTGGTAACCCAGGCAGAGATGGTGA[T>TGTA]GTAGGTCTTCCAGGTATGTGAGGAATTTATTTCAAAGTAACTTCAACACCGATGGCTTTT-3'